The following is an entry in ClinVar:

NM_002294.3(LAMP2):c.591G>A (p.Val197=)

Gene: LAMP2 (lysosome associated membrane protein 2; minus strand). Cytogenetic location: Xq24.
Variant type: single nucleotide variant.
Coding change: c.591G>A on transcript NM_002294.3 (MANE Select); coding-DNA position 591, G replaced by A.
Protein change: p.Val197=; no amino-acid change (valine 197 retained).
Molecular consequence: synonymous variant.
Genome position (GRCh38, 1-based): chrX:120,447,991, C>T on the plus strand (G>A on the coding strand, the complement: LAMP2 is on the minus strand). VCF-style: chrX-120447991-C-T. GRCh37 (hg19) VCF-style: chrX-119581846-C-T.
Other names: p.V197V:GTG>GTA; p.Val197=; c.591G>A, p.Val197= (NM_001122606.1, NM_013995.2).
Identifiers: ClinVar variation 44433 (VCV000044433.58), dbSNP rs201030806, ClinGen allele CA134154.

ClinVar aggregate classification (germline): Benign/Likely benign. Review status: criteria provided, multiple submitters, no conflicts (2 of 4 stars). 14 submissions from 14 submitters: Benign (6); Likely benign (6). 2 of the submissions do not count toward it. Last evaluated 2026-01-24.

Conditions:
LAMP2-related disorder. Also called: LAMP2-related condition.
Cardiovascular phenotype. Identifiers: MedGen CN230736.
Danon disease. Also called: Glycogen Storage Disease Type IIb; PSEUDOGLYCOGENOSIS II; GSD IIb; LYSOSOMAL GLYCOGEN STORAGE DISEASE WITHOUT ACID MALTASE DEFICIENCY; ANTOPOL DISEASE. Identifiers: Orphanet 34587, MedGen C0878677, MONDO:0010281, OMIM 300257.

Allele frequency attached by ClinVar (database versions not stated): ESP Exome Variant Server 0.00009; gnomAD 0.00014; TOPMed 0.00016; ExAC 0.00018; gnomAD exomes 0.00021 and 0.00025.
gnomAD v4.1: 258 of 1,208,543 alleles (0.021%); highest among the groups gnomAD compares: Middle Eastern, 0.46%; no homozygotes.

Submissions (14):

Labcorp Genetics (formerly Invitae), Labcorp
Classification: Likely benign for Danon disease. Last evaluated: 2026-01-24. Review status: criteria provided, single submitter. Criteria: Invitae Variant Classification Sherloc (09022015). Collection method: clinical testing. Allele origin: germline.

PreventionGenetics, part of Exact Sciences
Classification: Likely benign for LAMP2-related condition. Last evaluated: 2025-08-29. Review status: criteria provided, single submitter. Criteria: ACMG Guidelines, 2015. Collection method: clinical testing. Allele origin: germline.
Comment: This variant is classified as likely benign based on ACMG/AMP sequence variant interpretation guidelines (Richards et al. 2015 PMID: 25741868, with internal and published modifications).

Molecular Diagnostic Laboratory for Inherited Cardiovascular Disease, Montreal Heart Institute
Classification: Benign. Last evaluated: 2025-04-08. Review status: criteria provided, single submitter. Criteria: ACMG Guidelines, 2015. Collection method: clinical testing. Allele origin: germline. Affected: no.

Mayo Clinic Laboratories, Mayo Clinic
Classification: Benign. Last evaluated: 2025-01-21. Review status: criteria provided, single submitter. Criteria: ACMG Guidelines, 2015. Collection method: clinical testing. Allele origin: germline. Observed: 3 variant alleles.
Comment: BS1, BS2, BP4, BP7

Blueprint Genetics
Classification: Likely benign. Last evaluated: 2024-08-21. Review status: criteria provided, single submitter. Criteria: ACMG Guidelines, 2015. Collection method: clinical testing. Allele origin: germline.

ARUP Laboratories, Molecular Genetics and Genomics, ARUP Laboratories
Classification: Benign for Danon disease. Last evaluated: 2024-07-17. Review status: criteria provided, single submitter. Criteria: ARUP Molecular Germline Variant Investigation Process 2024. Collection method: clinical testing. Allele origin: germline.

CeGaT Center for Human Genetics Tuebingen
Classification: Likely benign. Last evaluated: 2024-03-01. Review status: criteria provided, single submitter. Criteria: CeGaT Center For Human Genetics Tuebingen Variant Classification Criteria Version 2. Collection method: clinical testing. Allele origin: germline. Affected: yes. Observed: 4 variant alleles.
Comment: LAMP2: BP4, BP7, BS2

Women's Health and Genetics/Laboratory Corporation of America, LabCorp
Classification: Benign. Last evaluated: 2022-07-18. Review status: criteria provided, single submitter. Criteria: LabCorp Variant Classification Summary - May 2015. Collection method: clinical testing. Allele origin: germline.

Illumina Laboratory Services, Illumina
Classification: Benign for Danon disease. Last evaluated: 2018-01-12. Review status: criteria provided, single submitter. Criteria: ICSL Variant Classification Criteria 13 December 2019. Collection method: clinical testing. Allele origin: germline.
Comment: This variant was observed in the ICSL laboratory as part of a predisposition screen in an ostensibly healthy population. It had not been previously curated by ICSL or reported in the Human Gene Mutation Database (HGMD: prior to June 1st, 2018), and was therefore a candidate for classification through an automated scoring system. Utilizing variant allele frequency, disease prevalence and penetrance estimates, and inheritance mode, an automated score was calculated to assess if this variant is too frequent to cause the disease. Based on the score and internal cut-off values, a variant classified as benign is not then subjected to further curation. The score for this variant resulted in a classification of benign for this disease.

Ambry Genetics
Classification: Likely benign for Cardiovascular phenotype. Last evaluated: 2016-10-06. Review status: criteria provided, single submitter. Criteria: Ambry Variant Classification Scheme 2023. Collection method: clinical testing. Allele origin: germline.

GeneDx
Classification: Benign. Last evaluated: 2015-04-10. Review status: criteria provided, single submitter. Criteria: GeneDx Variant Classification (06012015). Collection method: clinical testing. Allele origin: germline. Affected: yes.
Comment: This variant is considered likely benign or benign based on one or more of the following criteria: it is a conservative change, it occurs at a poorly conserved position in the protein, it is predicted to be benign by multiple in silico algorithms, and/or has population frequency not consistent with disease.

Laboratory for Molecular Medicine, Mass General Brigham Personalized Medicine
Classification: Likely benign. Last evaluated: 2012-08-03. Review status: criteria provided, single submitter. Criteria: LMM Criteria. Collection method: clinical testing. Allele origin: germline. Observed: 4 variant alleles.
Comment: Val197Val in exon 5 of LAMP2: This variant is not expected to have clinical sign ificance because it does not alter an amino acid residue and is not located with in the splice consensus sequence. It has been identified in 1/6728 European Amer ican chromosomes from a broad population by the NHLBI Exome Sequencing Project. Val197Val in exon 5 of LAMP2 (allele frequ ency=1/6728) **

Clinical Genetics DNA and cytogenetics Diagnostics Lab, Erasmus MC, Erasmus Medical Center
Classification: Likely benign. Review status: no assertion criteria provided. Collection method: clinical testing. Allele origin: germline. Affected: yes. Study: VKGL Data-share Consensus. Not counted in ClinVar's aggregate classification.

Clinical Genetics, Academic Medical Center
Classification: Benign. Review status: no assertion criteria provided. Collection method: clinical testing. Allele origin: germline. Affected: yes. Study: VKGL Data-share Consensus. Not counted in ClinVar's aggregate classification.